The following is an entry in ClinVar:

ClinVar aggregate classification (germline): Benign/Likely benign. Review status: criteria provided, multiple submitters, no conflicts (2 of 4 stars). 3 submissions from 3 submitters: Benign (1); Likely benign (1). 1 of the submissions does not count toward it. Last evaluated 2025-10-10.

Conditions:
DSG4-related disorder. Also called: DSG4-related condition.
Hypotrichosis 6 (HYPT6). Also called: HYPOTRICHOSIS, LOCALIZED, AUTOSOMAL RECESSIVE 1; MONILETHRIX-LIKE HYPOTRICHOSIS. Identifiers: Orphanet 55654, MedGen C1842839, MONDO:0011932, OMIM 607903.

Allele frequency attached by ClinVar (database versions not stated): gnomAD exomes 0.00095 and 0.00258; ExAC 0.00325; gnomAD 0.00970 and 0.01050; 1000 Genomes Project 0.01058; TOPMed 0.01116; 1000 Genomes Project 30x 0.01140; ESP Exome Variant Server 0.01238.
gnomAD v4.1: 2,896 of 1,613,664 alleles (0.18%); highest among the groups gnomAD compares: African/African-American, 3.6%; 55 homozygotes.

Submissions (3):

Labcorp Genetics (formerly Invitae), Labcorp
Classification: Benign. Last evaluated: 2025-10-10. Review status: criteria provided, single submitter. Criteria: Invitae Variant Classification Sherloc (09022015). Collection method: clinical testing. Allele origin: germline.

Illumina Laboratory Services, Illumina
Classification: Likely benign for Hypotrichosis 6. Last evaluated: 2018-01-12. Review status: criteria provided, single submitter. Criteria: ICSL Variant Classification Criteria 13 December 2019. Collection method: clinical testing. Allele origin: germline.
Comment: This variant was observed in the ICSL laboratory as part of a predisposition screen in an ostensibly healthy population. It had not been previously curated by ICSL or reported in the Human Gene Mutation Database (HGMD: prior to June 1st, 2018), and was therefore a candidate for classification through an automated scoring system. Utilizing variant allele frequency, disease prevalence and penetrance estimates, and inheritance mode, an automated score was calculated to assess if this variant is too frequent to cause the disease. Based on the score and internal cut-off values, a variant classified as likely benign is not then subjected to further curation. The score for this variant resulted in a classification of likely benign for this disease.

PreventionGenetics, part of Exact Sciences
Classification: Benign for DSG4-related condition. Last evaluated: 2019-02-19. Review status: no assertion criteria provided. Collection method: clinical testing. Allele origin: germline. Not counted in ClinVar's aggregate classification.
Comment: This variant is classified as benign based on ACMG/AMP sequence variant interpretation guidelines (Richards et al. 2015 PMID: 25741868, with internal and published modifications).

NM_177986.5(DSG4):c.21A>G (p.Arg7=)

Genes: DSG1-AS1 (DSG1 antisense RNA 1; minus strand), DSG4 (desmoglein 4; plus strand). Cytogenetic location: 18q12.1.
Variant type: single nucleotide variant.
Coding change: c.21A>G on transcript NM_177986.5 (MANE Select); coding-DNA position 21, A replaced by G.
Protein change: p.Arg7=; no amino-acid change (arginine 7 retained).
Molecular consequence: synonymous variant.
Genome position (GRCh38, 1-based): chr18:31,376,932, A>G. VCF-style: chr18-31376932-A-G. GRCh37 (hg19) VCF-style: chr18-28956895-A-G.
Other names: c.21A>G, p.Arg7= (NM_001134453.3).
Identifiers: ClinVar variation 326415 (VCV000326415.14), dbSNP rs75549650, ClinGen allele CA8926565.
Genomic context (GRCh38, chr18:31,376,932, plus strand): 5'-TGAATCTCACAGGATTTGCGTGCAAGAGAAACCCAAAGGAATGGATTGGCTCTTCTTCAG[A>G]AACATTTGCCTTTTGATCATTCTAATGGTAAGTAGAATTTAAAGAGGTGGGAAGGAAATG-3'
Protein context (NP_817123.1, residues 1-17): MDWLFF[Arg7=]NICLLIILMV